The following is an entry in ClinVar:

NM_014989.7(RIMS1):c.1252A>G (p.Arg418Gly)

Gene: RIMS1 (regulating synaptic membrane exocytosis 1; plus strand). Cytogenetic location: 6q13.
Variant type: single nucleotide variant.
Coding change: c.1252A>G on transcript NM_014989.7 (MANE Select); coding-DNA position 1252, A replaced by G.
Protein change: p.Arg418Gly; replaces arginine 418 with glycine.
Molecular consequence: missense variant.
Genome position (GRCh38, 1-based): chr6:72,182,723, A>G. VCF-style: chr6-72182723-A-G. GRCh37 (hg19) VCF-style: chr6-72892426-A-G.
Other names: short protein forms R418G.
Identifiers: ClinVar variation 2762476 (VCV002762476.3), dbSNP rs2551808397, ClinGen allele CA364820599.

ClinVar aggregate classification (germline): Uncertain significance (1 of 4 stars; one submission).

Submission:

Labcorp Genetics (formerly Invitae), Labcorp
Classification: Uncertain significance. Last evaluated: 2023-09-21. Review status: criteria provided, single submitter. Criteria: Invitae Variant Classification Sherloc (09022015). Collection method: clinical testing. Allele origin: germline.
Comment: This sequence change replaces arginine, which is basic and polar, with glycine, which is neutral and non-polar, at codon 418 of the RIMS1 protein (p.Arg418Gly). This variant is not present in population databases (gnomAD no frequency). This variant has not been reported in the literature in individuals affected with RIMS1-related conditions. An algorithm developed to predict the effect of missense changes on protein structure and function (PolyPhen-2) suggests that this variant is likely to be tolerated. In summary, the available evidence is currently insufficient to determine the role of this variant in disease. Therefore, it has been classified as a Variant of Uncertain Significance.